The following is an entry in ClinVar:

NM_021930.6(RINT1):c.583G>A (p.Ala195Thr)

Gene: RINT1 (RAD50 interactor 1; plus strand). Cytogenetic location: 7q22.3.
Variant type: single nucleotide variant.
Coding change: c.583G>A on transcript NM_021930.6 (MANE Select); coding-DNA position 583, G replaced by A.
Protein change: p.Ala195Thr; replaces alanine 195 with threonine.
Molecular consequence: missense variant. On other transcripts: 5 prime UTR variant (2), non-coding transcript variant (1), intron variant (1).
Genome position (GRCh38, 1-based): chr7:105,546,977, G>A. VCF-style: chr7-105546977-G-A. GRCh37 (hg19) VCF-style: chr7-105187424-G-A.
Other names: c.349G>A, p.Ala117Thr (NM_001346599.2); c.-437G>A (NM_001346600.2); c.-340G>A (NM_001346601.2); c.-27-3078G>A (NM_001346603.2); c.583G>A (NM_021930.4); short protein forms A117T, A195T.
Identifiers: ClinVar variation 1360137 (VCV001360137.11), dbSNP rs766990153, ClinGen allele CA4426473.

ClinVar aggregate classification (germline): Uncertain significance. Review status: criteria provided, multiple submitters, no conflicts (2 of 4 stars). 2 submissions from 2 submitters: Uncertain significance (2). Last evaluated 2026-02-02.

Allele frequency attached by ClinVar (database versions not stated): gnomAD exomes below 0.00001; ExAC 0.00001.
gnomAD v4.1: 2 of 1,613,820 alleles (0.00012%); highest among the groups gnomAD compares: Admixed American, 0.0017%; no homozygotes.

Submissions (2):

Labcorp Genetics (formerly Invitae), Labcorp
Classification: Uncertain significance. Last evaluated: 2026-02-02. Review status: criteria provided, single submitter. Criteria: Invitae Variant Classification Sherloc (09022015). Collection method: clinical testing. Allele origin: germline.
Comment: This sequence change replaces alanine, which is neutral and non-polar, with threonine, which is neutral and polar, at codon 195 of the RINT1 protein (p.Ala195Thr). This variant is present in population databases (rs766990153, gnomAD 0.003%). This variant has not been reported in the literature in individuals affected with RINT1-related conditions. ClinVar contains an entry for this variant (Variation ID: 1360137). An algorithm developed to predict the effect of missense changes on protein structure and function outputs the following: PolyPhen-2: "Benign". The threonine amino acid residue is found in multiple mammalian species, which suggests that this missense change does not adversely affect protein function. In summary, the available evidence is currently insufficient to determine the role of this variant in disease. Therefore, it has been classified as a Variant of Uncertain Significance.

Ambry Genetics
Classification: Uncertain significance. Last evaluated: 2024-12-20. Review status: criteria provided, single submitter. Criteria: Ambry Variant Classification Scheme 2023. Collection method: clinical testing. Allele origin: germline.
Comment: The p.A195T variant (also known as c.583G>A), located in coding exon 5 of the RINT1 gene, results from a G to A substitution at nucleotide position 583. The alanine at codon 195 is replaced by threonine, an amino acid with similar properties. This amino acid position is conserved. In addition, this alteration is predicted to be tolerated by in silico analysis. Since supporting evidence is limited at this time, the clinical significance of this alteration remains unclear.